The following is an entry in ClinVar:

ClinVar aggregate classification (germline): Likely pathogenic (1 of 4 stars; one submission).

Submission:

GeneDx
Classification: Likely pathogenic. Last evaluated: 2026-01-05. Review status: criteria provided, single submitter. Criteria: GeneDx Variant Classification Process June 2021. Collection method: clinical testing. Allele origin: germline. Affected: yes.
Comment: Frameshift variant predicted to result in protein truncation or nonsense mediated decay in a gene for which loss of function is a known mechanism of disease; Not observed at significant frequency in large population cohorts (gnomAD); Has not been previously published as pathogenic or benign to our knowledge

NM_001199198.3(TBC1D23):c.603dup (p.Gly202fs)

Gene: TBC1D23 (TBC1 domain family member 23; plus strand). Cytogenetic location: 3q12.1.
Variant type: Duplication.
Coding change: c.603dup on transcript NM_001199198.3 (MANE Select); coding-DNA position 603, one base duplicated (T; older notation c.603dupT).
Protein change: p.Gly202fs; shifts the reading frame from glycine 202.
Molecular consequence: frameshift variant.
Genome position (GRCh38, 1-based): chr3:100,295,089, T duplicated; the last of 2 consecutive T bases (chr3:100,295,088-100,295,089); duplicating either gives the same sequence. VCF-style (leftmost placement, unchanged base first): chr3-100295087-C-CT. GRCh37 (hg19) VCF-style: chr3-100013931-C-CT.
Other names: c.603dup, p.Gly202fs (NM_018309.5); short protein forms G202fs.
Identifiers: ClinVar variation 3901557 (VCV003901557.3).